The following is an entry in ClinVar:

ClinVar aggregate classification (germline): Conflicting classifications of pathogenicity. Review status: criteria provided, conflicting classifications (1 of 4 stars). 6 submissions from 5 submitters: Uncertain significance (4); Likely benign (2). Last evaluated 2026-03-10.

Conditions:
Joubert syndrome. Also called: Familial aplasia of the vermis; JOUBERT-BOLTSHAUSER SYNDROME. Identifiers: Orphanet 475, MedGen C5979921, MONDO:0018772.
Meckel-Gruber syndrome. Also called: DYSENCEPHALIA SPLANCHNOCYSTICA; GRUBER SYNDROME; Dysencephalia splachnocystica. Identifiers: Orphanet 564, MedGen C0265215, MONDO:0018921.
TCTN2-related disorder. Also called: TCTN2-related disorders; TCTN2-related condition. Identifiers: MedGen CN239412.
Joubert syndrome 24 (JBTS24). Identifiers: Orphanet 475, MedGen C4084841, MONDO:0014724, OMIM 616654.
Meckel syndrome, type 8. Identifiers: Orphanet 564, MedGen C3836857, MONDO:0013482, OMIM 613885.

Allele frequency attached by ClinVar (database versions not stated): gnomAD exomes 0.00005 and 0.00029; gnomAD 0.00007 and 0.00008; TOPMed 0.00011; ExAC 0.00031.
gnomAD v4.1: 106 of 1,613,460 alleles (0.0066%); highest among the groups gnomAD compares: East Asian, 0.17%; no homozygotes.

Submissions (6):

PreventionGenetics, part of Exact Sciences
Classification: Likely benign for TCTN2-related condition. Last evaluated: 2026-03-10. Review status: criteria provided, single submitter. Criteria: ACMG Guidelines, 2015. Collection method: clinical testing. Allele origin: germline.
Comment: This variant is classified as likely benign based on ACMG/AMP sequence variant interpretation guidelines (Richards et al. 2015 PMID: 25741868, with internal and published modifications).

Labcorp Genetics (formerly Invitae), Labcorp
Classification: Likely benign for Joubert syndrome; Meckel-Gruber syndrome. Last evaluated: 2026-01-20. Review status: criteria provided, single submitter. Criteria: Invitae Variant Classification Sherloc (09022015). Collection method: clinical testing. Allele origin: germline.

Blueprint Genetics
Classification: Uncertain significance. Last evaluated: 2024-09-18. Review status: criteria provided, single submitter. Criteria: ACMG Guidelines, 2015. Collection method: clinical testing. Allele origin: germline.

GeneDx
Classification: Uncertain significance. Last evaluated: 2022-08-02. Review status: criteria provided, single submitter. Criteria: GeneDx Variant Classification Process June 2021. Collection method: clinical testing. Allele origin: germline. Affected: yes.
Comment: In silico analysis supports a deleterious effect on splicing; Has not been previously published as pathogenic or benign to our knowledge

Illumina Laboratory Services, Illumina
Classification: Uncertain significance for Joubert syndrome 24. Last evaluated: 2018-01-13. Review status: criteria provided, single submitter. Criteria: ICSL Variant Classification Criteria 13 December 2019. Collection method: clinical testing. Allele origin: germline.

Illumina Laboratory Services, Illumina
Classification: Uncertain significance for Meckel syndrome, type 8. Last evaluated: 2018-01-13. Review status: criteria provided, single submitter. Criteria: ICSL Variant Classification Criteria 13 December 2019. Collection method: clinical testing. Allele origin: germline.

NM_024809.5(TCTN2):c.564+3A>C

Gene: TCTN2 (tectonic family member 2; plus strand). Cytogenetic location: 12q24.31.
Variant type: single nucleotide variant.
Coding change: c.564+3A>C on transcript NM_024809.5 (MANE Select); 3 bases into the intron after coding-DNA position 564, A replaced by C.
Molecular consequence: intron variant.
Genome position (GRCh38, 1-based): chr12:123,679,292, A>C. VCF-style: chr12-123679292-A-C. GRCh37 (hg19) VCF-style: chr12-124163839-A-C.
Other names: c.561+3A>C (NM_001143850.3).
Identifiers: ClinVar variation 307547 (VCV000307547.21), dbSNP rs761089886, ClinGen allele CA6860918.
Genomic context (GRCh38, chr12:123,679,292, plus strand): 5'-CCCTTGTCCTTGTAATTTAACAGCTGGAGCCTGTGATGTTCGCTGCTGCTGTGACCAGGT[A>C]TGTTCTTTGGTTATTGGGCACAAAAGTTATGCTACCTGTGAGAACACCAGCAGTTCCACC-3'